The following is an entry in ClinVar:

NM_007294.4(BRCA1):c.1771A>G (p.Ile591Val)

Gene: BRCA1 (BRCA1 DNA repair associated; minus strand). Cytogenetic location: 17q21.31.
Variant type: single nucleotide variant.
Coding change: c.1771A>G on transcript NM_007294.4 (MANE Select); coding-DNA position 1771, A replaced by G.
Protein change: p.Ile591Val; replaces isoleucine 591 with valine.
Molecular consequence: missense variant. On other transcripts: intron variant (137).
Genome position (GRCh38, 1-based): chr17:43,093,760, T>C on the plus strand (A>G on the coding strand, the complement: BRCA1 is on the minus strand). VCF-style: chr17-43093760-T-C. GRCh37 (hg19) VCF-style: chr17-41245777-T-C.
Other names: c.1558A>G, p.Ile520Val (NM_001407915.1, NM_001407917.1, NM_001407916.1 and 9 more transcripts); c.1507A>G, p.Ile503Val (NM_001407921.1, NM_001407922.1, NM_001407923.1 and 9 more transcripts); c.1648A>G, p.Ile550Val (NM_001407919.1, NM_001407666.1, NM_001407667.1 and 19 more transcripts); c.1645A>G, p.Ile549Val (NM_001407670.1, NM_001407671.1, NM_001407672.1 and 11 more transcripts); c.1771A>G, p.Ile591Val (NM_001407684.1, NM_001407854.1, NM_001407858.1 and 30 more transcripts); c.1630A>G, p.Ile544Val (NM_001407692.1, NM_001407694.1, NM_001407695.1 and 29 more transcripts); c.1627A>G, p.Ile543Val (NM_001407740.1, NM_001407741.1, NM_001407742.1 and 20 more transcripts); c.1768A>G, p.Ile590Val (NM_001407860.1, NM_001407861.1, NM_001407587.1 and 22 more transcripts); and 40 more; short protein forms I591V, I544V, I464V, I480V, I524V, I295V, I423V, I463V.
Identifiers: ClinVar variation 421781 (VCV000421781.32), dbSNP rs1064795358, ClinGen allele CA10598482.
Genomic context (GRCh38, chr17:43,093,760, plus strand): 5'-GCCTATTCTTTTTAGGTGCTTTTGAATTGTGGATATTTAATTCGAGTTCCATATTGCTTA[T>C]ACTGCTGCTTATAGGTTCAGCTTTCGTTTTGAAAGCAGATTCTTTTTCGAGTGATTCTAT-3'
Protein context (NP_009225.1, residues 581-601): KTKAEPISSS[Ile591Val]SNMELELNIH

ClinVar aggregate classification (germline): Conflicting classifications of pathogenicity. Review status: criteria provided, conflicting classifications (1 of 4 stars). 9 submissions from 9 submitters: Uncertain significance (6); Benign (1); Likely benign (1). 1 of the submissions does not count toward it. Last evaluated 2026-01-06.

Conditions:
Hereditary breast ovarian cancer syndrome. Also called: BRCA1- and BRCA2-Associated Hereditary Breast and Ovarian Cancer; Hereditary breast and/or ovarian cancer syndrome; Hereditary breast and ovarian cancer syndrome; Hereditary breast and ovarian cancer; Hereditary breast and ovarian cancer syndrome (HBOC); Breast and ovarian cancer. Identifiers: Orphanet 145, MedGen C0677776, MeSH D061325, MONDO:0003582. Disease mechanism: loss of function.
Malignant tumor of breast. Also called: Malignant breast neoplasm; Cancer breast. Identifiers: MedGen C0006142, MONDO:0007254. Disease mechanism: loss of function.
BRCA1-related cancer predisposition. Identifiers: MedGen CN377757, MONDO:0700268.
Hereditary cancer-predisposing syndrome. Also called: Hereditary neoplastic syndrome; Neoplastic Syndromes, Hereditary; Tumor predisposition; Hereditary Cancer Syndrome. Identifiers: Orphanet 140162, MedGen C0027672, MeSH D009386, MONDO:0015356.

Allele frequency attached by ClinVar (database versions not stated): gnomAD exomes below 0.00001; TOPMed 0.00001.
gnomAD v4.1: 1 of 1,614,012 alleles (0.000062%); highest among the groups gnomAD compares: Admixed American, 0.0017%; no homozygotes.

Submissions (9):

Labcorp Genetics (formerly Invitae), Labcorp
Classification: Benign for Hereditary breast ovarian cancer syndrome. Last evaluated: 2026-01-06. Review status: criteria provided, single submitter. Criteria: Invitae Variant Classification Sherloc (09022015). Collection method: clinical testing. Allele origin: germline.

Quest Diagnostics Nichols Institute San Juan Capistrano
Classification: Uncertain significance. Last evaluated: 2025-10-10. Review status: criteria provided, single submitter. Criteria: Quest Diagnostics criteria. Collection method: clinical testing. Allele origin: unknown.
Comment: The BRCA1 c.1771A>G (p.Ile591Val) variant has been reported in the published literature to be located in a region of the BRCA1 gene that is tolerant to missense sequence changes (PMID: 31911673 (2020)). To the best of our knowledge, this variant has not been reported in individuals with BRCA1-related disorders. The frequency of this variant in the general population (Genome Aggregation Database) is uninformative in the assessment of its pathogenicity. Analysis of this variant using bioinformatics tools for the prediction of the effect of amino acid changes on protein structure and function yielded conflicting predictions that this variant is benign or damaging. Based on the available information, we are unable to determine the clinical significance of this variant.

GeneDx
Classification: Uncertain significance. Last evaluated: 2024-12-09. Review status: criteria provided, single submitter. Criteria: GeneDx Variant Classification Process June 2021. Collection method: clinical testing. Allele origin: germline. Affected: yes.
Comment: Not observed at significant frequency in large population cohorts (gnomAD); In silico analysis indicates that this missense variant does not alter protein structure/function; Has not been previously published as pathogenic or benign to our knowledge; Also known as 1890A>G; This variant is associated with the following publications: (PMID: 26689913, 10426999, 10792030, 15343273, 29884841)

All of Us Research Program, National Institutes of Health
Classification: Uncertain significance for BRCA1-related cancer predisposition. Last evaluated: 2024-09-23. Review status: criteria provided, single submitter. Criteria: ACMG Guidelines, 2015. Collection method: clinical testing. Allele origin: germline. Inheritance: Autosomal dominant inheritance. Observed: 1 variant allele, 1 heterozygote.
Comment: This missense variant replaces isoleucine with valine at codon 591 of the BRCA1 protein. Computational prediction is inconclusive regarding the impact of this variant on protein structure and function (internally defined REVEL score threshold 0.5 < inconclusive < 0.7, PMID: 27666373). Computational RNA splicing algorithms predict the creation of a de novo splice donor site, but this had not yet been confirmed experimentally. To our knowledge, protein functional studies have not been reported for this variant. This variant has not been reported in individuals affected with hereditary cancer in the literature. This variant has been identified in 1/251084 chromosomes in the general population by the Genome Aggregation Database (gnomAD). The available evidence is insufficient to determine the role of this variant in disease conclusively. Therefore, this variant is classified as a Variant of Uncertain Significance.

This study involves interpretation of variants in research participants for the purpose of population health screening. Participant phenotype was not available at the time of variant classification. Additional details can be found in publication PMID: 35346344, PMCID: PMC8962531

Ambry Genetics
Classification: Uncertain significance for Hereditary cancer-predisposing syndrome. Last evaluated: 2024-03-05. Review status: criteria provided, single submitter. Criteria: Ambry Variant Classification Scheme 2023. Collection method: clinical testing. Allele origin: germline.
Comment: The p.I591V variant (also known as c.1771A>G), located in coding exon 9 of the BRCA1 gene, results from an A to G substitution at nucleotide position 1771. The isoleucine at codon 591 is replaced by valine, an amino acid with highly similar properties. This amino acid position is not well conserved in available vertebrate species. In addition, the in silico prediction for this alteration is inconclusive. Based on the available evidence, the clinical significance of this alteration remains unclear.

Color Diagnostics, LLC DBA Color Health
Classification: Uncertain significance for Hereditary cancer-predisposing syndrome. Last evaluated: 2023-11-01. Review status: criteria provided, single submitter. Criteria: ACMG Guidelines, 2015. Collection method: clinical testing. Allele origin: germline.
Comment: This missense variant replaces isoleucine with valine at codon 591 of the BRCA1 protein. Computational prediction is inconclusive regarding the impact of this variant on protein structure and function. To our knowledge, protein functional studies have not been reported for this variant. This variant has not been reported in individuals affected with hereditary cancer in the literature. This variant has been identified in 1/251084 chromosomes in the general population by the Genome Aggregation Database (gnomAD). The available evidence is insufficient to determine the role of this variant in disease conclusively. Therefore, this variant is classified as a Variant of Uncertain Significance.

University of Washington Department of Laboratory Medicine, University of Washington
Classification: Likely benign for Hereditary cancer-predisposing syndrome. Last evaluated: 2023-03-23. Review status: criteria provided, single submitter. Criteria: Dines et al. (Genet Med. 2020). Collection method: curation. Allele origin: germline.
Comment: Missense variant in a coldspot region where missense variants are very unlikely to be pathogenic (PMID:31911673).

BRCA1 coldspot (exon 11 using historical exon numbering). Reclassification based on statistical prior probability

Women's Health and Genetics/Laboratory Corporation of America, LabCorp
Classification: Uncertain significance. Last evaluated: 2019-03-15. Review status: criteria provided, single submitter. Criteria: LabCorp Variant Classification Summary - May 2015. Collection method: clinical testing. Allele origin: germline.
Comment: Variant summary: BRCA1 c.1771A>G (p.Ile591Val) results in a conservative amino acid change in the encoded protein sequence. Four of five in-silico tools predict a benign effect of the variant on protein function. Several computational tools predict a significant impact on normal splicing: Four predict the variant creates a 5' donor site. However, these predictions have yet to be confirmed by functional studies. The variant allele was found at a frequency of 4.1e-06 in 245912 control chromosomes (gnomAD). The available data on variant occurrences in the general population are insufficient to allow any conclusion about variant significance. To our knowledge, no occurrence of c.1771A>G in individuals affected with Hereditary Breast and Ovarian Cancer and no experimental evidence demonstrating its impact on protein function have been reported. Two clinical diagnostic laboratories have submitted clinical-significance assessments for this variant to ClinVar after 2014 without evidence for independent evaluation. All laboratories classified the variant as uncertain significance. Based on the evidence outlined above, the variant was classified as uncertain significance.

Department of Pathology and Laboratory Medicine, Sinai Health System
Classification: Uncertain significance for Malignant tumor of breast. Review status: no assertion criteria provided. Collection method: clinical testing. Allele origin: unknown. Affected: yes. Study: The Canadian Open Genetics Repository (COGR). Not counted in ClinVar's aggregate classification.
Comment: The BRCA1 p.Ile591Val variant was not identified in the literature nor was it identified in the in dbSNP, Clinvitae database, Fanconi Anemia Mutation Database (LOVD), LOVD-IARC database, ARUP Laboratories BRCA Mutations Database,COSMIC, the ClinVar database, GeneInsight COGR database, the BIC database, UMD, or Fanconi Anemia (LOVD) databases. The p.Ile591 residue is not conserved in mammals, the variant amino acid Valine (Val) is present in mice and four out of five computational analyses (PolyPhen-2, SIFT, AlignGVGD, BLOSUM, MutationTaster) do not suggest a high likelihood of impact to the protein; however, this information is not predictive enough to rule out pathogenicity. The variant occurs outside of the splicing consensus sequence and in silico or computational prediction software programs (SpliceSiteFinder, MaxEntScan, NNSPLICE, GeneSplicer, HumanSpliceFinder) do not predict the abolishment of the consensus splice site; however, 4 out of 5 predict an altered 5' splice site in this region and we cannot eliminate the possibility that an exon splice enhancer was modified and may lead to abnormal splicing or creation of a cryptic splice site. In summary, based on the above information, the clinical significance of this variant cannot be determined with certainty at this time. This variant is classified as a variant of uncertain significance.

Literature cited by the submitters: PubMed 31911673 (cited by Quest Diagnostics Nichols Institute San Juan Capistrano); PubMed 26689913 (cited by Women's Health and Genetics/Laboratory Corporation of America, LabCorp).